The following is an entry in ClinVar:

NM_000051.4(ATM):c.4632C>G (p.Tyr1544Ter)

Gene: ATM (ATM serine/threonine kinase; plus strand). Cytogenetic location: 11q22.3.
Variant type: single nucleotide variant.
Coding change: c.4632C>G on transcript NM_000051.4 (MANE Select); coding-DNA position 4632, C replaced by G.
Protein change: p.Tyr1544Ter; replaces tyrosine 1544 with a stop codon.
Molecular consequence: nonsense.
Genome position (GRCh38, 1-based): chr11:108,293,333, C>G. VCF-style: chr11-108293333-C-G. GRCh37 (hg19) VCF-style: chr11-108164060-C-G.
Other names: c.4632C>G, p.Tyr1544Ter (NM_001351834.2); short protein forms Y1544*.
Identifiers: ClinVar variation 2774670 (VCV002774670.3), dbSNP rs2135810212, ClinGen allele CA382534607.

ClinVar aggregate classification (germline): Pathogenic. Review status: criteria provided, multiple submitters, no conflicts (2 of 4 stars). 2 submissions from 2 submitters: Pathogenic (2). Last evaluated 2025-04-16.

Conditions:
Ataxia-telangiectasia syndrome (AT). Also called: Cerebello-oculocutaneous telangiectasia; Immunodeficiency with ataxia telangiectasia; Ataxia-telangiectasia, complementation group E; Ataxia telangiectasia (A-T); LOUIS-BAR SYNDROME; ATAXIA-TELANGIECTASIA, COMPLEMENTATION GROUP A. Identifiers: Orphanet 100, MedGen C0004135, MONDO:0008840, OMIM 208900.
Hereditary cancer-predisposing syndrome. Also called: Hereditary Cancer Syndrome; Hereditary neoplastic syndrome; Tumor predisposition; Neoplastic Syndromes, Hereditary. Identifiers: Orphanet 140162, MedGen C0027672, MeSH D009386, MONDO:0015356.

Submissions (2):

Molecular Pathology, Peter Maccallum Cancer Centre
Classification: Pathogenic for Ataxia-telangiectasia syndrome. Last evaluated: 2025-04-16. Review status: criteria provided, single submitter. Criteria: ACMG Guidelines, 2015. Collection method: clinical testing. Allele origin: germline. Inheritance: Autosomal recessive inheritance.

Color Diagnostics, LLC DBA Color Health
Classification: Pathogenic for Hereditary cancer-predisposing syndrome. Last evaluated: 2022-05-16. Review status: criteria provided, single submitter. Criteria: ACMG Guidelines, 2015. Collection method: clinical testing. Allele origin: germline.
Comment: This variant changes 1 nucleotide in exon 31 of the ATM gene, creating a premature translation stop signal. This variant is expected to result in an absent or non-functional protein product. To our knowledge, this variant has not been reported in individuals affected with hereditary cancer in the literature. This variant has not been identified in the general population by the Genome Aggregation Database (gnomAD). Loss of ATM function is a known mechanism of disease. Based on the available evidence, this variant is classified as Pathogenic.